The following is an entry in ClinVar:

ClinVar aggregate classification (germline): Uncertain significance. Review status: criteria provided, multiple submitters, no conflicts (2 of 4 stars). 2 submissions from 2 submitters: Uncertain significance (2). Last evaluated 2024-12-12.

Conditions:
RASopathy. Also called: Noonan spectrum disorder; rasopathies. Identifiers: Orphanet 536391, MedGen C5555857, MONDO:0021060.
Cardiovascular phenotype. Identifiers: MedGen CN230736.

Allele frequency attached by ClinVar (database versions not stated): ExAC 0.00001; gnomAD 0.00001 and 0.00002; TOPMed 0.00002; 1000 Genomes Project 30x 0.00016; 1000 Genomes Project 0.00020.
gnomAD v4.1: 3 of 1,613,848 alleles (0.00019%); highest among the groups gnomAD compares: Admixed American, 0.005%; no homozygotes.

Submissions (2):

Labcorp Genetics (formerly Invitae), Labcorp
Classification: Uncertain significance for RASopathy. Last evaluated: 2024-12-12. Review status: criteria provided, single submitter. Criteria: Invitae Variant Classification Sherloc (09022015). Collection method: clinical testing. Allele origin: germline.
Comment: This sequence change replaces valine, which is neutral and non-polar, with isoleucine, which is neutral and non-polar, at codon 279 of the SOS1 protein (p.Val279Ile). This variant is not present in population databases (gnomAD no frequency). This variant has not been reported in the literature in individuals affected with SOS1-related conditions. ClinVar contains an entry for this variant (Variation ID: 1345747). Invitae Evidence Modeling of protein sequence and biophysical properties (such as structural, functional, and spatial information, amino acid conservation, physicochemical variation, residue mobility, and thermodynamic stability) indicates that this missense variant is not expected to disrupt SOS1 protein function with a negative predictive value of 95%. In summary, the available evidence is currently insufficient to determine the role of this variant in disease. Therefore, it has been classified as a Variant of Uncertain Significance.

Ambry Genetics
Classification: Uncertain significance for Cardiovascular phenotype. Last evaluated: 2024-10-06. Review status: criteria provided, single submitter. Criteria: Ambry Variant Classification Scheme 2023. Collection method: clinical testing. Allele origin: germline.

NM_005633.4(SOS1):c.835G>A (p.Val279Ile)

Gene: SOS1 (SOS Ras/Rac guanine nucleotide exchange factor 1; minus strand). Cytogenetic location: 2p22.1.
Variant type: single nucleotide variant.
Coding change: c.835G>A on transcript NM_005633.4 (MANE Select); coding-DNA position 835, G replaced by A.
Protein change: p.Val279Ile; replaces valine 279 with isoleucine.
Molecular consequence: missense variant.
Genome position (GRCh38, 1-based): chr2:39,051,173, C>T on the plus strand (G>A on the coding strand, the complement: SOS1 is on the minus strand). VCF-style: chr2-39051173-C-T. GRCh37 (hg19) VCF-style: chr2-39278314-C-T.
Other names: c.814G>A, p.Val272Ile (NM_001382394.1); c.835G>A, p.Val279Ile (NM_001382395.1); c.835G>A (NM_005633.3); short protein forms V272I, V279I.
Identifiers: ClinVar variation 1345747 (VCV001345747.7), dbSNP rs188055807, ClinGen allele CA1624718.